The following is an entry in ClinVar:

NM_033305.3(VPS13A):c.5991G>A (p.Gln1997=)

Gene: VPS13A (vacuolar protein sorting 13 homolog A; plus strand). Cytogenetic location: 9q21.2.
Variant type: single nucleotide variant.
Coding change: c.5991G>A on transcript NM_033305.3 (MANE Select); coding-DNA position 5991, G replaced by A.
Protein change: p.Gln1997=; no amino-acid change (glutamine 1997 retained).
Molecular consequence: synonymous variant.
Genome position (GRCh38, 1-based): chr9:77,323,227, G>A. VCF-style: chr9-77323227-G-A. GRCh37 (hg19) VCF-style: chr9-79938143-G-A.
Other names: c.5874G>A, p.Gln1958= (NM_001018037.2); c.5991G>A, p.Gln1997= (NM_001018038.3, NM_015186.4).
Identifiers: ClinVar variation 4535895 (VCV004535895.1).

ClinVar aggregate classification (germline): Uncertain significance (1 of 4 stars; one submission).

Submission:

Women's Health and Genetics/Laboratory Corporation of America, LabCorp
Classification: Uncertain significance. Last evaluated: 2025-09-02. Review status: criteria provided, single submitter. Criteria: LabCorp Variant Classification Summary - May 2015. Collection method: clinical testing. Allele origin: germline.
Comment: Variant summary: VPS13A c.5991G>A (p.Gln1997Gln) alters a nucleotide located close to a canonical splice site and therefore could affect mRNA splicing, leading to a significantly altered protein sequence. Several computational tools predict a significant impact on normal splicing: Two predict the variant abolishes a canonical 5' splicing donor site and two predict the variant weakens this site. However, these predictions have yet to be confirmed by functional studies. The variant was absent in 250718 control chromosomes (gnomAD). The available data on variant occurrences in the general population are insufficient to allow any conclusion about variant significance. To our knowledge, no occurrence of c.5991G>A in individuals affected with VPS13A-related conditions and no experimental evidence demonstrating its impact on protein function have been reported. No submitters have cited clinical-significance assessments for this variant to ClinVar. Based on the evidence outlined above, the variant was classified as uncertain significance.